The following is an entry in ClinVar:

ClinVar aggregate classification (germline): Uncertain significance (1 of 4 stars; one submission).

Conditions:
Fanconi anemia complementation group O. Also called: RAD51C-Related Fanconi Anemia. Identifiers: Orphanet 84, MedGen C3150653, MONDO:0013248, OMIM 613390.

gnomAD v4.1: 4 of 1,612,134 alleles (0.00025%); highest among the groups gnomAD compares: Non-Finnish European, 0.00034%; no homozygotes.

Submission:

Labcorp Genetics (formerly Invitae), Labcorp
Classification: Uncertain significance for Fanconi anemia complementation group O. Last evaluated: 2020-06-06. Review status: criteria provided, single submitter. Criteria: Invitae Variant Classification Sherloc (09022015). Collection method: clinical testing. Allele origin: germline.
Comment: Algorithms developed to predict the effect of missense changes on protein structure and function (SIFT, PolyPhen-2, Align-GVGD) all suggest that this variant is likely to be tolerated, but these predictions have not been confirmed by published functional studies and their clinical significance is uncertain. This sequence change replaces aspartic acid with valine at codon 228 of the RAD51C protein (p.Asp228Val). The aspartic acid residue is moderately conserved and there is a large physicochemical difference between aspartic acid and valine. This variant is not present in population databases (ExAC no frequency). This variant has not been reported in the literature in individuals with RAD51C-related conditions. In summary, the available evidence is currently insufficient to determine the role of this variant in disease. Therefore, it has been classified as a Variant of Uncertain Significance.

NM_058216.3(RAD51C):c.683A>T (p.Asp228Val)

Genes: RAD51C (RAD51 paralog C; plus strand), LOC129390903 (MPRA-validated peak2919 silencer; plus strand). Cytogenetic location: 17q22.
Variant type: single nucleotide variant.
Coding change: c.683A>T on transcript NM_058216.3 (MANE Select); coding-DNA position 683, A replaced by T.
Protein change: p.Asp228Val; replaces aspartic acid 228 with valine.
Molecular consequence: missense variant. On other transcripts: non-coding transcript variant (1).
Genome position (GRCh38, 1-based): chr17:58,703,307, A>T. VCF-style: chr17-58703307-A-T. GRCh37 (hg19) VCF-style: chr17-56780668-A-T.
Other names: short protein forms D228V.
Identifiers: ClinVar variation 1042560 (VCV001042560.9), dbSNP rs2048274960, ClinGen allele CA400350005.